The following is an entry in ClinVar:

ClinVar aggregate classification (germline): Pathogenic (1 of 4 stars; one submission).

Conditions:
Neurofibromatosis, type 1 (NF1). Also called: VON RECKLINGHAUSEN DISEASE; Peripheral type neurofibromatosis; NEUROFIBROMATOSIS, TYPE I, SOMATIC; Neurofibromatosis, type I. Identifiers: Orphanet 636, MedGen C0027831, MONDO:0018975, OMIM 162200. Disease mechanism: loss of function.

Submission:

Labcorp Genetics (formerly Invitae), Labcorp
Classification: Pathogenic for Neurofibromatosis, type 1. Last evaluated: 2020-10-09. Review status: criteria provided, single submitter. Criteria: Invitae Variant Classification Sherloc (09022015). Collection method: clinical testing. Allele origin: germline.
Comment: For these reasons, this variant has been classified as Pathogenic. Loss-of-function variants in NF1 are known to be pathogenic (PMID: 10712197, 23913538). This variant has been observed in individual(s) with neurofibromatosis type 1 (PMID: 25074460, 25834617). This variant is not present in population databases (ExAC no frequency). This sequence change creates a premature translational stop signal (p.Glu1206*) in the NF1 gene. It is expected to result in an absent or disrupted protein product.

Literature cited by the submitters: PubMed 10712197; PubMed 23913538; PubMed 25074460; PubMed 25834617.

NM_001042492.3(NF1):c.3616G>T (p.Glu1206Ter)

Gene: NF1 (neurofibromin 1; plus strand). Cytogenetic location: 17q11.2.
Variant type: single nucleotide variant.
Coding change: c.3616G>T on transcript NM_001042492.3 (MANE Select); coding-DNA position 3616, G replaced by T.
Protein change: p.Glu1206Ter; replaces glutamic acid 1206 with a stop codon.
Molecular consequence: nonsense.
Genome position (GRCh38, 1-based): chr17:31,233,121, G>T. VCF-style: chr17-31233121-G-T. GRCh37 (hg19) VCF-style: chr17-29560139-G-T.
Other names: c.3616G>T, p.Glu1206Ter (NM_000267.4); short protein forms E1206*.
Identifiers: ClinVar variation 1069720 (VCV001069720.5), dbSNP rs2151435605, ClinGen allele CA398990319.
Genomic context (GRCh38, chr17:31,233,121, plus strand): 5'-ATCCTTCAACAAGGCACAGAATTTGACACACTTGCAGAAACAGTATTGGCTGATCGGTTT[G>T]AGAGATTGGTGGAACTGGTCACAATGATGGGTGATCAAGGAGAACTCCCTATAGCGATGG-3'